The following is an entry in ClinVar:

ClinVar aggregate classification (germline): Uncertain significance (1 of 4 stars; one submission).

Submission:

GeneDx
Classification: Uncertain significance. Last evaluated: 2020-02-01. Review status: criteria provided, single submitter. Criteria: GeneDx Variant Classification Process June 2021. Collection method: clinical testing. Allele origin: germline. Affected: yes.
Comment: Not observed in large population cohorts (Lek et al., 2016); In-silico analysis, which includes splice predictors and evolutionary conservation, is inconclusive as to whether the variant alters gene splicing. In the absence of RNA/functional studies, the actual effect of this sequence change is unknown.; In silico analysis supports that this missense variant has a deleterious effect on protein structure/function; Has not been previously published as pathogenic or benign to our knowledge

NM_012203.2(GRHPR):c.735G>T (p.Arg245Ser)

Gene: GRHPR (glyoxylate and hydroxypyruvate reductase; plus strand). Cytogenetic location: 9p13.2.
Variant type: single nucleotide variant.
Coding change: c.735G>T on transcript NM_012203.2 (MANE Select); coding-DNA position 735, G replaced by T.
Protein change: p.Arg245Ser; replaces arginine 245 with serine.
Molecular consequence: missense variant.
Genome position (GRCh38, 1-based): chr9:37,432,008, G>T. VCF-style: chr9-37432008-G-T. GRCh37 (hg19) VCF-style: chr9-37432005-G-T.
Other names: short protein forms R245S.
Identifiers: ClinVar variation 1314885 (VCV001314885.2), dbSNP rs2118890222, ClinGen allele CA373444344.
Genomic context (GRCh38, chr9:37,432,008, plus strand): 5'-TCAAAGGTGGCCTGGGCGGAGGGATCTTCGGGGTACCCATGTCACCACTGTCATTCCCAG[G>T]GGCGACGTCGTAAACCAGGACGACCTGTACCAGGCCTTGGCCAGTGGTAAGATTGCAGCT-3'
Protein context (NP_036335.1, residues 235-255): KETAVFINIS[Arg245Ser]GDVVNQDDLY